The following is an entry in ClinVar:

ClinVar aggregate classification (germline): Uncertain significance (1 of 4 stars; one submission).

Conditions:
Familial cancer of breast. Also called: BREAST CANCER, FAMILIAL; Hereditary breast cancer; hereditary breast carcinoma. Identifiers: Orphanet 227535, MedGen C0346153, MONDO:0016419, OMIM 114480. Disease mechanism: loss of function.

Submission:

Labcorp Genetics (formerly Invitae), Labcorp
Classification: Uncertain significance for Familial cancer of breast. Last evaluated: 2022-02-07. Review status: criteria provided, single submitter. Criteria: Invitae Variant Classification Sherloc (09022015). Collection method: clinical testing. Allele origin: germline.
Comment: This sequence change falls in intron 11 of the PALB2 gene. It does not directly change the encoded amino acid sequence of the PALB2 protein. This variant is not present in population databases (gnomAD no frequency). This variant has not been reported in the literature in individuals affected with PALB2-related conditions. Algorithms developed to predict the effect of sequence changes on RNA splicing suggest that this variant may disrupt the consensus splice site. In summary, the available evidence is currently insufficient to determine the role of this variant in disease. Therefore, it has been classified as a Variant of Uncertain Significance.

NM_024675.4(PALB2):c.3202-10C>G

Gene: PALB2 (partner and localizer of BRCA2; minus strand). Cytogenetic location: 16p12.2.
Variant type: single nucleotide variant.
Coding change: c.3202-10C>G on transcript NM_024675.4 (MANE Select); 10 bases into the intron before coding-DNA position 3202, C replaced by G.
Molecular consequence: intron variant.
Genome position (GRCh38, 1-based): chr16:23,608,022, G>C on the plus strand (C>G on the coding strand, the complement: PALB2 is on the minus strand). VCF-style: chr16-23608022-G-C. GRCh37 (hg19) VCF-style: chr16-23619343-G-C.
Identifiers: ClinVar variation 2086430 (VCV002086430.4), dbSNP rs2142274595, ClinGen allele CA2580091279.